The following is an entry in ClinVar:

ClinVar aggregate classification (germline): Uncertain significance. Review status: criteria provided, multiple submitters, no conflicts (2 of 4 stars). 2 submissions from 2 submitters: Uncertain significance (2). Last evaluated 2023-01-26.

Conditions:
Inborn genetic diseases. Identifiers: MedGen C0950123, MeSH D030342.

Allele frequency attached by ClinVar (database versions not stated): ExAC 0.00001.
gnomAD v4.1: 29 of 1,611,542 alleles (0.0018%); highest among the groups gnomAD compares: Non-Finnish European, 0.0024%; no homozygotes.

Submissions (2):

Ambry Genetics
Classification: Uncertain significance for Inborn genetic diseases. Last evaluated: 2023-01-26. Review status: criteria provided, single submitter. Criteria: Ambry Variant Classification Scheme 2023. Collection method: clinical testing. Allele origin: germline.

Athena Diagnostics
Classification: Uncertain significance. Last evaluated: 2023-01-03. Review status: criteria provided, single submitter. Criteria: Athena Diagnostics Criteria. Collection method: clinical testing. Allele origin: unknown.
Comment: Available data are insufficient to determine the clinical significance of the variant at this time. The frequency of this variant in the general population is uninformative in assessment of its pathogenicity. This variant has been seen where an alternate explanation for disease was also identified, suggesting this variant may not cause disease. Computational tools disagree on the variant's effect on normal protein function.

NM_198994.3(TGM6):c.20C>A (p.Thr7Asn)

Gene: TGM6 (transglutaminase 6; plus strand). Cytogenetic location: 20p13.
Variant type: single nucleotide variant.
Coding change: c.20C>A on transcript NM_198994.3 (MANE Select); coding-DNA position 20, C replaced by A.
Protein change: p.Thr7Asn; replaces threonine 7 with asparagine.
Molecular consequence: missense variant.
Genome position (GRCh38, 1-based): chr20:2,394,464, C>A. VCF-style: chr20-2394464-C-A. GRCh37 (hg19) VCF-style: chr20-2375110-C-A.
Other names: c.20C>A, p.Thr7Asn (NM_001254734.2); short protein forms T7N.
Identifiers: ClinVar variation 2460616 (VCV002460616.3), dbSNP rs754216250, ClinGen allele CA9731518.